The following is an entry in ClinVar:

ClinVar aggregate classification (germline): Uncertain significance. Review status: criteria provided, multiple submitters, no conflicts (2 of 4 stars). 2 submissions from 2 submitters: Uncertain significance (2). Last evaluated 2025-10-02.

Conditions:
Congenital myasthenic syndrome 4A. Also called: Myasthenic syndrome, congenital, 4a, slow-channel; MYASTHENIC SYNDROME, CONGENITAL, 4A, SLOW-CHANNEL, AUTOSOMAL RECESSIVE; CONGENITAL MYASTHENIC SYNDROME TYPE Ia1. Identifiers: Orphanet 590, MedGen C4225413, MONDO:0011600, OMIM 605809.

Allele frequency attached by ClinVar (database versions not stated): TOPMed below 0.00001; gnomAD 0.00001; gnomAD exomes 0.00001.
gnomAD v4.1: 18 of 1,613,976 alleles (0.0011%); highest among the groups gnomAD compares: Non-Finnish European, 0.0015%; no homozygotes.

Submissions (2):

Labcorp Genetics (formerly Invitae), Labcorp
Classification: Uncertain significance for Congenital myasthenic syndrome 4A. Last evaluated: 2025-10-02. Review status: criteria provided, single submitter. Criteria: Invitae Variant Classification Sherloc (09022015). Collection method: clinical testing. Allele origin: germline.
Comment: This sequence change falls in intron 1 of the CHRNE gene. It does not directly change the encoded amino acid sequence of the CHRNE protein. It affects a nucleotide within the consensus splice site. This variant is present in population databases (no rsID available, gnomAD 0.0009%). This variant has not been reported in the literature in individuals affected with CHRNE-related conditions. ClinVar contains an entry for this variant (Variation ID: 2914531). Variants that disrupt the consensus splice site are a relatively common cause of aberrant splicing (PMID: 17576681, 9536098). Algorithms developed to predict the effect of sequence changes on RNA splicing suggest that this variant may disrupt the consensus splice site. In summary, the available evidence is currently insufficient to determine the role of this variant in disease. Therefore, it has been classified as a Variant of Uncertain Significance.

Revvity Omics, Revvity
Classification: Uncertain significance. Last evaluated: 2024-12-11. Review status: criteria provided, single submitter. Criteria: ACMG Guidelines, 2015. Collection method: clinical testing. Allele origin: germline.

Literature cited by the submitters: PubMed 17576681 (cited by Labcorp Genetics (formerly Invitae), Labcorp); PubMed 9536098 (cited by Labcorp Genetics (formerly Invitae), Labcorp).

NM_000080.4(CHRNE):c.46+3A>G

Genes: C17orf107 (chromosome 17 open reading frame 107; plus strand), CHRNE (cholinergic receptor nicotinic epsilon subunit; minus strand). Cytogenetic location: 17p13.2.
Variant type: single nucleotide variant.
Coding change: c.46+3A>G on transcript NM_000080.4 (MANE Select); 3 bases into the intron after coding-DNA position 46, A replaced by G.
Molecular consequence: intron variant.
Genome position (GRCh38, 1-based): chr17:4,903,015, T>C on the plus strand (A>G on the coding strand, the complement: CHRNE is on the minus strand). VCF-style: chr17-4903015-T-C. GRCh37 (hg19) VCF-style: chr17-4806310-T-C.
Identifiers: ClinVar variation 2914531 (VCV002914531.4), dbSNP rs1363310064, ClinGen allele CA624619919.